The following is an entry in ClinVar:

ClinVar aggregate classification (germline): Uncertain significance. Review status: criteria provided, multiple submitters, no conflicts (2 of 4 stars). 2 submissions from 2 submitters: Uncertain significance (2). Last evaluated 2026-09-04.

Conditions:
Inborn genetic diseases. Identifiers: MedGen C0950123, MeSH D030342.
IFT74-related disorder. Also called: IFT74-Related Disorders; IFT74-related condition.

Submissions (2):

PreventionGenetics, part of Exact Sciences
Classification: Uncertain significance for IFT74-related condition. Last evaluated: 2026-09-04. Review status: criteria provided, single submitter. Criteria: ACMG Guidelines, 2015. Collection method: clinical testing. Allele origin: germline.
Comment: The IFT74 c.794T>G variant is predicted to result in the amino acid substitution p.Ile265Arg. To our knowledge, this variant has not been reported in the literature or in a large population database (gnomAD), indicating this variant is rare. At this time, the clinical significance of this variant is uncertain due to the absence of conclusive functional and genetic evidence.

Ambry Genetics
Classification: Uncertain significance for Inborn genetic diseases. Last evaluated: 2024-11-27. Review status: criteria provided, single submitter. Criteria: Ambry Variant Classification Scheme 2023. Collection method: clinical testing. Allele origin: germline.

NM_025103.4(IFT74):c.794T>G (p.Ile265Arg)

Gene: IFT74 (intraflagellar transport 74; plus strand). Cytogenetic location: 9p21.2.
Variant type: single nucleotide variant.
Coding change: c.794T>G on transcript NM_025103.4 (MANE Select); coding-DNA position 794, T replaced by G.
Protein change: p.Ile265Arg; replaces isoleucine 265 with arginine.
Molecular consequence: missense variant.
Genome position (GRCh38, 1-based): chr9:27,016,911, T>G. VCF-style: chr9-27016911-T-G. GRCh37 (hg19) VCF-style: chr9-27016909-T-G.
Other names: c.794T>G (NM_025103.2); c.794T>G, p.Ile265Arg (NM_001099222.3, NM_001099223.3, NM_001099224.3 and 1 more transcripts); short protein forms I265R.
Identifiers: ClinVar variation 3527961 (VCV003527961.2).